The following is an entry in ClinVar:

ClinVar aggregate classification (germline): Uncertain significance (1 of 4 stars; one submission).

Submission:

GeneDx
Classification: Uncertain significance. Last evaluated: 2020-02-13. Review status: criteria provided, single submitter. Criteria: GeneDx Variant Classification Process June 2021. Collection method: clinical testing. Allele origin: germline. Affected: yes.
Comment: Not observed in large population cohorts (Lek et al., 2016); In silico analysis supports that this missense variant has a deleterious effect on protein structure/function; Has not been previously published as pathogenic or benign to our knowledge

NM_182641.4(BPTF):c.565T>A (p.Cys189Ser)

Genes: BPTF (bromodomain PHD finger transcription factor; plus strand), LOC130061496 (ATAC-STARR-seq lymphoblastoid active region 12632; plus strand). Cytogenetic location: 17q24.2.
Variant type: single nucleotide variant.
Coding change: c.565T>A on transcript NM_182641.4 (MANE Select); coding-DNA position 565, T replaced by A.
Protein change: p.Cys189Ser; replaces cysteine 189 with serine.
Molecular consequence: missense variant.
Genome position (GRCh38, 1-based): chr17:67,826,289, T>A. VCF-style: chr17-67826289-T-A. GRCh37 (hg19) VCF-style: chr17-65822405-T-A.
Other names: c.565T>A, p.Cys189Ser (NM_004459.7); short protein forms C189S.
Identifiers: ClinVar variation 1315408 (VCV001315408.2), dbSNP rs2143476550, ClinGen allele CA400716267.